The following is an entry in ClinVar:

ClinVar aggregate classification (germline): Likely benign (1 of 4 stars; one submission).

Conditions:
RHOG-related condition.

gnomAD v4.1: 386 of 1,614,264 alleles (0.024%); highest among the groups gnomAD compares: Middle Eastern, 0.2%; 2 homozygotes.

Submission:

PreventionGenetics, part of Exact Sciences
Classification: Likely benign for RHOG-related condition. Last evaluated: 2025-09-26. Review status: criteria provided, single submitter. Criteria: ACMG Guidelines, 2015. Collection method: clinical testing. Allele origin: germline.
Comment: This variant is classified as likely benign based on ACMG/AMP sequence variant interpretation guidelines (Richards et al. 2015 PMID: 25741868, with internal and published modifications).

NM_001665.4(RHOG):c.177G>A (p.Ala59=)

Gene: RHOG (ras homolog family member G; minus strand). Cytogenetic location: 11p15.4.
Variant type: single nucleotide variant.
Coding change: c.177G>A on transcript NM_001665.4 (MANE Select); coding-DNA position 177, G replaced by A.
Protein change: p.Ala59=; no amino-acid change (alanine 59 retained).
Molecular consequence: synonymous variant.
Genome position (GRCh38, 1-based): chr11:3,827,962, C>T on the plus strand (G>A on the coding strand, the complement: RHOG is on the minus strand). VCF-style: chr11-3827962-C-T. GRCh37 (hg19) VCF-style: chr11-3849192-C-T.
Identifiers: ClinVar variation 4982873 (VCV004982873.1).